The following is an entry in ClinVar:

NM_080680.3(COL11A2):c.2915del (p.Pro972fs)

Gene: COL11A2 (collagen type XI alpha 2 chain; minus strand). Cytogenetic location: 6p21.32.
Variant type: Deletion.
Coding change: c.2915del on transcript NM_080680.3 (MANE Select); coding-DNA position 2915, one base deleted (C; older notation c.2915delC).
Protein change: p.Pro972fs; shifts the reading frame from proline 972.
Molecular consequence: frameshift variant.
Genome position (GRCh38, 1-based): chr6:33,172,362, G deleted on the plus strand (C on the coding strand, the reverse complement: COL11A2 is on the minus strand); the first of 5 consecutive G bases (chr6:33,172,362-33,172,366); deleting any one gives the same sequence. VCF-style (leftmost placement, unchanged base first): chr6-33172361-AG-A. GRCh37 (hg19) VCF-style: chr6-33140138-AG-A.
Other names: c.2735del, p.Pro912fs (NM_001424108.1); c.2069del, p.Pro690fs (NM_001424109.1); c.1889del, p.Pro630fs (NM_001424110.1, NM_001424111.1); c.869del, p.Pro290fs (NM_001424112.1); c.2594del, p.Pro865fs (NM_080679.3); c.2657del, p.Pro886fs (NM_080681.3); short protein forms P912fs, P290fs, P865fs, P886fs, P630fs, P690fs, P972fs.
Identifiers: ClinVar variation 4715229 (VCV004715229.1).

ClinVar aggregate classification (germline): Pathogenic (1 of 4 stars; one submission).

Submission:

Labcorp Genetics (formerly Invitae), Labcorp
Classification: Pathogenic. Last evaluated: 2025-03-16. Review status: criteria provided, single submitter. Criteria: Invitae Variant Classification Sherloc (09022015). Collection method: clinical testing. Allele origin: germline.
Comment: This sequence change creates a premature translational stop signal (p.Pro972Leufs*12) in the COL11A2 gene. It is expected to result in an absent or disrupted protein product. Loss-of-function variants in COL11A2 are known to be pathogenic (PMID: 10677296, 21204229). This variant is not present in population databases (gnomAD no frequency). This variant has not been reported in the literature in individuals affected with COL11A2-related conditions. For these reasons, this variant has been classified as Pathogenic.

Literature cited by the submitters: PubMed 10677296; PubMed 21204229.